The following is an entry in ClinVar:

NM_001128425.2(MUTYH):c.36+6C>T

Genes: MUTYH (mutY DNA glycosylase; minus strand), TOE1 (target of EGR1, exonuclease; plus strand). Cytogenetic location: 1p34.1.
Variant type: single nucleotide variant.
Coding change: c.36+6C>T on transcript NM_001128425.2 (MANE Plus Clinical); 6 bases into the intron after coding-DNA position 36, C replaced by T.
Molecular consequence: intron variant. On other transcripts: 5 prime UTR variant (3).
Genome position (GRCh38, 1-based): chr1:45,340,213, G>A on the plus strand (C>T on the coding strand, the complement: MUTYH is on the minus strand). VCF-style: chr1-45340213-G-A. GRCh37 (hg19) VCF-style: chr1-45805885-G-A.
Other names: c.-40G>A (NM_025077.4); c.-17C>T (NM_001407070.1, NM_001407071.1); c.-7+10C>T (NM_001407072.1); c.-214+6C>T (NM_001350651.2); c.-219+6C>T (NM_001293192.2); c.-278+6C>T (NM_001350650.2); c.36+6C>T (NM_001407073.1, NM_001293190.2, NM_001407069.1 and 1 more transcripts); c.-7+6C>T (NM_001048171.2).
Identifiers: ClinVar variation 2696355 (VCV002696355.3), dbSNP rs1553136962, ClinGen allele CA2697552410.
Genomic context (GRCh38, chr1:45,340,213, plus strand): 5'-GCGAGACCCCGCCCCATCCCCGACTGCCTGAACCGCGCCAGGAGACGGACCGCAAGTCCA[G>A]CGTACCCACAGACGACTCAGGCGGGAGACGAGCGGTGTCATGGCCGCCGACAGTGACGAT-3'

ClinVar aggregate classification (germline): Uncertain significance (1 of 4 stars; one submission).

Conditions:
Familial adenomatous polyposis 2. Also called: COLORECTAL ADENOMATOUS POLYPOSIS, AUTOSOMAL RECESSIVE; ADENOMAS, MULTIPLE COLORECTAL, AUTOSOMAL RECESSIVE; MYH-associated polyposis; MUTYH Polyposis; Adenomas, multiple colorectal; FAP type 2. Identifiers: Orphanet 220460, Orphanet 247798, MedGen C3272841, MONDO:0012041, OMIM 608456.

Submission:

Labcorp Genetics (formerly Invitae), Labcorp
Classification: Uncertain significance for Familial adenomatous polyposis 2. Last evaluated: 2023-11-16. Review status: criteria provided, single submitter. Criteria: Invitae Variant Classification Sherloc (09022015). Collection method: clinical testing. Allele origin: germline.
Comment: This sequence change falls in intron 1 of the MUTYH gene. It does not directly change the encoded amino acid sequence of the MUTYH protein. It affects a nucleotide within the consensus splice site. This variant is not present in population databases (gnomAD no frequency). This variant has not been reported in the literature in individuals affected with MUTYH-related conditions. Variants that disrupt the consensus splice site are a relatively common cause of aberrant splicing (PMID: 17576681, 9536098). Algorithms developed to predict the effect of sequence changes on RNA splicing suggest that this variant is not likely to affect RNA splicing. In summary, the available evidence is currently insufficient to determine the role of this variant in disease. Therefore, it has been classified as a Variant of Uncertain Significance.

Literature cited by the submitters: PubMed 17576681; PubMed 9536098.